The following is an entry in ClinVar:

ClinVar aggregate classification (germline): Benign/Likely benign. Review status: criteria provided, multiple submitters, no conflicts (2 of 4 stars). 4 submissions from 4 submitters: Benign (2); Likely benign (2). Last evaluated 2025-11-06.

Conditions:
Hereditary sensory neuropathy-deafness-dementia syndrome. Also called: Hereditary sensory neuropathy type IE; NEUROPATHY, HEREDITARY SENSORY, WITH HEARING LOSS AND DEMENTIA; Hereditary Sensory and Autonomic Neuropathy Type 1E (HSAN1E); HSN IE. Identifiers: Orphanet 456318, MedGen C3279885, MONDO:0013584, OMIM 614116.

Allele frequency attached by ClinVar (database versions not stated): gnomAD exomes 0.00006 and 0.00019; ExAC 0.00020; 1000 Genomes Project 30x 0.00047; 1000 Genomes Project 0.00060; gnomAD 0.00067 and 0.00071; TOPMed 0.00078; ESP Exome Variant Server 0.00100.
gnomAD v4.1: 193 of 1,613,216 alleles (0.012%); highest among the groups gnomAD compares: African/African-American, 0.23%; 2 homozygotes.

Submissions (4):

Women's Health and Genetics/Laboratory Corporation of America, LabCorp
Classification: Benign. Last evaluated: 2025-11-06. Review status: criteria provided, single submitter. Criteria: LabCorp Variant Classification Summary - May 2015. Collection method: clinical testing. Allele origin: germline.

Labcorp Genetics (formerly Invitae), Labcorp
Classification: Benign for Hereditary sensory neuropathy-deafness-dementia syndrome. Last evaluated: 2025-09-21. Review status: criteria provided, single submitter. Criteria: Invitae Variant Classification Sherloc (09022015). Collection method: clinical testing. Allele origin: germline.

ARUP Laboratories, Molecular Genetics and Genomics, ARUP Laboratories
Classification: Likely benign. Last evaluated: 2024-11-26. Review status: criteria provided, single submitter. Criteria: ARUP Molecular Germline Variant Investigation Process 2024. Collection method: clinical testing. Allele origin: germline.

GeneDx
Classification: Likely benign. Last evaluated: 2016-02-02. Review status: criteria provided, single submitter. Criteria: GeneDx Variant Classification (06012015). Collection method: clinical testing. Allele origin: germline. Affected: yes.
Comment: This variant is considered likely benign or benign based on one or more of the following criteria: it is a conservative change, it occurs at a poorly conserved position in the protein, it is predicted to be benign by multiple in silico algorithms, and/or has population frequency not consistent with disease.

NM_001130823.3(DNMT1):c.2382-15G>A

Gene: DNMT1 (DNA methyltransferase 1; minus strand). Cytogenetic location: 19p13.2.
Variant type: single nucleotide variant.
Coding change: c.2382-15G>A on transcript NM_001130823.3 (MANE Select); 15 bases into the intron before coding-DNA position 2382, G replaced by A.
Molecular consequence: intron variant.
Genome position (GRCh38, 1-based): chr19:10,149,672, C>T on the plus strand (G>A on the coding strand, the complement: DNMT1 is on the minus strand). VCF-style: chr19-10149672-C-T. GRCh37 (hg19) VCF-style: chr19-10260348-C-T.
Other names: c.2019-15G>A (NM_001318731.2); c.2334-15G>A (NM_001379.4, NM_001318730.2); c.2382-15G>A (LRG_362t1).
Identifiers: ClinVar variation 383324 (VCV000383324.11), dbSNP rs111694626, ClinGen allele CA9188058.